The following is an entry in ClinVar:

ClinVar aggregate classification (germline): Uncertain significance (1 of 4 stars; one submission).

gnomAD v4.1: 1 of 1,613,242 alleles (0.000062%); highest among the groups gnomAD compares: Non-Finnish European, 0.000085%; no homozygotes.

Submission:

GeneDx
Classification: Uncertain significance. Last evaluated: 2025-06-27. Review status: criteria provided, single submitter. Criteria: GeneDx Variant Classification Process June 2021. Collection method: clinical testing. Allele origin: germline. Affected: yes.
Comment: Missense variant in a gene in which most reported pathogenic variants are truncating/loss of function; Has not been previously published as pathogenic or benign to our knowledge

NM_001267550.2(TTN):c.38981T>C (p.Val12994Ala)

Gene: TTN (titin; minus strand). Cytogenetic location: 2q31.2.
Variant type: single nucleotide variant.
Coding change: c.38981T>C on transcript NM_001267550.2 (MANE Select); coding-DNA position 38981, T replaced by C.
Protein change: p.Val12994Ala; replaces valine 12994 with alanine.
Molecular consequence: missense variant. On other transcripts: intron variant (5).
Genome position (GRCh38, 1-based): chr2:178,652,715, A>G on the plus strand (T>C on the coding strand, the complement: TTN is on the minus strand). VCF-style: chr2-178652715-A-G. GRCh37 (hg19) VCF-style: chr2-179517442-A-G.
Other names: c.13283-10398T>C (NM_003319.4); c.13859-10398T>C (NM_133437.4); c.13658-10398T>C (NM_133432.3); c.31742-174T>C (NM_133378.4); c.34523-174T>C (NM_001256850.1); short protein forms V12994A.
Identifiers: ClinVar variation 4539964 (VCV004539964.1).